The following is an entry in ClinVar:

NM_003073.5(SMARCB1):c.70G>A (p.Glu24Lys)

Gene: SMARCB1 (SWI/SNF related BAF chromatin remodeling complex subunit B1; plus strand). Cytogenetic location: 22q11.23.
Variant type: single nucleotide variant.
Coding change: c.70G>A on transcript NM_003073.5 (MANE Select); coding-DNA position 70, G replaced by A.
Protein change: p.Glu24Lys; replaces glutamic acid 24 with lysine.
Molecular consequence: missense variant.
Genome position (GRCh38, 1-based): chr22:23,787,239, G>A. VCF-style: chr22-23787239-G-A. GRCh37 (hg19) VCF-style: chr22-24129426-G-A.
Other names: c.70G>A, p.Glu24Lys (NM_001007468.3, NM_001317946.2, NM_001362877.2); short protein forms E24K.
Identifiers: ClinVar variation 826836 (VCV000826836.13), dbSNP rs1601382640, ClinGen allele CA410930857.

ClinVar aggregate classification (germline): Uncertain significance. Review status: criteria provided, multiple submitters, no conflicts (2 of 4 stars). 2 submissions from 2 submitters: Uncertain significance (2). Last evaluated 2024-08-23.

Conditions:
Hereditary cancer-predisposing syndrome. Also called: Neoplastic Syndromes, Hereditary; Tumor predisposition; Hereditary neoplastic syndrome; Hereditary Cancer Syndrome. Identifiers: Orphanet 140162, MedGen C0027672, MeSH D009386, MONDO:0015356.

Allele frequency attached by ClinVar (database versions not stated): gnomAD exomes below 0.00001; TOPMed below 0.00001.

Submissions (2):

Ambry Genetics
Classification: Uncertain significance for Hereditary cancer-predisposing syndrome. Last evaluated: 2024-08-23. Review status: criteria provided, single submitter. Criteria: Ambry Variant Classification Scheme 2023. Collection method: clinical testing. Allele origin: germline.
Comment: The p.E24K variant (also known as c.70G>A), located in coding exon 1 of the SMARCB1 gene, results from a G to A substitution at nucleotide position 70. The glutamic acid at codon 24 is replaced by lysine, an amino acid with similar properties. This amino acid position is well conserved in available vertebrate species. In addition, the in silico prediction for this alteration is inconclusive. Based on the available evidence, the clinical significance of this variant remains unclear.

Labcorp Genetics (formerly Invitae), Labcorp
Classification: Uncertain significance. Last evaluated: 2024-04-05. Review status: criteria provided, single submitter. Criteria: Invitae Variant Classification Sherloc (09022015). Collection method: clinical testing. Allele origin: germline.
Comment: This sequence change replaces glutamic acid, which is acidic and polar, with lysine, which is basic and polar, at codon 24 of the SMARCB1 protein (p.Glu24Lys). This variant is not present in population databases (gnomAD no frequency). This variant has not been reported in the literature in individuals affected with SMARCB1-related conditions. ClinVar contains an entry for this variant (Variation ID: 826836). An algorithm developed to predict the effect of missense changes on protein structure and function (PolyPhen-2) suggests that this variant is likely to be tolerated. In summary, the available evidence is currently insufficient to determine the role of this variant in disease. Therefore, it has been classified as a Variant of Uncertain Significance.